The following is an entry in ClinVar:

ClinVar aggregate classification (germline): Conflicting classifications of pathogenicity. Review status: criteria provided, conflicting classifications (1 of 4 stars). 3 submissions from 3 submitters: Uncertain significance (2); Likely benign (1). Last evaluated 2025-02-04.

Conditions:
Gorlin syndrome. Also called: Basal cell nevus syndrome; Nevoid Basal Cell Carcinoma Syndrome. Identifiers: Orphanet 377, MedGen C0004779, MONDO:0007187.
Hereditary cancer-predisposing syndrome. Also called: Hereditary Cancer Syndrome; Tumor predisposition; Neoplastic Syndromes, Hereditary; Hereditary neoplastic syndrome. Identifiers: Orphanet 140162, MedGen C0027672, MeSH D009386, MONDO:0015356.

Allele frequency attached by ClinVar (database versions not stated): gnomAD exomes 0.00002; TOPMed 0.00002; ExAC 0.00003.
gnomAD v4.1: 21 of 1,612,194 alleles (0.0013%); highest among the groups gnomAD compares: Non-Finnish European, 0.0017%; no homozygotes.

Submissions (3):

Labcorp Genetics (formerly Invitae), Labcorp
Classification: Likely benign for Gorlin syndrome. Last evaluated: 2025-02-04. Review status: criteria provided, single submitter. Criteria: Invitae Variant Classification Sherloc (09022015). Collection method: clinical testing. Allele origin: germline.

Ambry Genetics
Classification: Uncertain significance for Hereditary cancer-predisposing syndrome. Last evaluated: 2024-05-03. Review status: criteria provided, single submitter. Criteria: Ambry Variant Classification Scheme 2023. Collection method: clinical testing. Allele origin: germline.
Comment: The p.R52Q variant (also known as c.155G>A), located in coding exon 1 of the PTCH1 gene, results from a G to A substitution at nucleotide position 155. The arginine at codon 52 is replaced by glutamine, an amino acid with highly similar properties. This amino acid position is conserved. In addition, the in silico prediction for this alteration is inconclusive. Since supporting evidence is limited at this time, the clinical significance of this alteration remains unclear.

GeneDx
Classification: Uncertain significance. Last evaluated: 2023-06-13. Review status: criteria provided, single submitter. Criteria: GeneDx Variant Classification Process June 2021. Collection method: clinical testing. Allele origin: germline. Affected: yes.
Comment: In silico analysis supports that this missense variant does not alter protein structure/function; Has not been previously published as pathogenic or benign to our knowledge

NM_000264.5(PTCH1):c.155G>A (p.Arg52Gln)

Genes: PTCH1 (patched 1; minus strand), LOC130002133 (ATAC-STARR-seq lymphoblastoid silent region 20071; plus strand). Cytogenetic location: 9q22.32.
Variant type: single nucleotide variant.
Coding change: c.155G>A on transcript NM_000264.5 (MANE Select); coding-DNA position 155, G replaced by A.
Protein change: p.Arg52Gln; replaces arginine 52 with glutamine.
Molecular consequence: missense variant. On other transcripts: non-coding transcript variant (1), intron variant (3).
Genome position (GRCh38, 1-based): chr9:95,508,207, C>T on the plus strand (G>A on the coding strand, the complement: PTCH1 is on the minus strand). VCF-style: chr9-95508207-C-T. GRCh37 (hg19) VCF-style: chr9-98270489-C-T.
Other names: c.155G>A, p.Arg52Gln (NM_001354918.2); c.199-1608G>A (NM_001083603.3); c.4-1608G>A (NM_001083602.3, NM_001354919.2); short protein forms R52Q.
Identifiers: ClinVar variation 652277 (VCV000652277.15), dbSNP rs777207639, ClinGen allele CA5139034.